The following is an entry in ClinVar:

ClinVar aggregate classification (germline): Uncertain significance (1 of 4 stars; one submission).

Conditions:
PCSK1-related disorder. Also called: PCSK1-related condition.

gnomAD v4.1: 5 of 1,535,304 alleles (0.00033%); highest among the groups gnomAD compares: African/African-American, 0.0027%; no homozygotes.

Submission:

PreventionGenetics, part of Exact Sciences
Classification: Uncertain significance for PCSK1-related condition. Last evaluated: 2026-06-16. Review status: criteria provided, single submitter. Criteria: ACMG Guidelines, 2015. Collection method: clinical testing. Allele origin: germline.
Comment: The PCSK1 c.13T>G variant is predicted to result in the amino acid substitution p.Ser5Ala. To our knowledge, this variant has not been reported in the literature. This variant is reported in 0.0041% of alleles in individuals of Latino descent in gnomAD. At this time, the clinical significance of this variant is uncertain due to the absence of conclusive functional and genetic evidence.

NM_000439.5(PCSK1):c.180+754T>G

Genes: CAST (calpastatin; plus strand), PCSK1 (proprotein convertase subtilisin/kexin type 1; minus strand), LOC101929710 (uncharacterized LOC101929710; plus strand). Cytogenetic location: 5q15.
Variant type: single nucleotide variant.
Coding change: c.180+754T>G on transcript NM_000439.5 (MANE Select); 754 bases into the intron after coding-DNA position 180, T replaced by G.
Molecular consequence: intron variant. On other transcripts: missense variant (1).
Genome position (GRCh38, 1-based): chr5:96,432,109, A>C on the plus strand (T>G on the coding strand, the complement: PCSK1 is on the minus strand). VCF-style: chr5-96432109-A-C. GRCh37 (hg19) VCF-style: chr5-95767813-A-C.
Other names: c.13T>G, p.Ser5Ala (NM_001177875.2); c.-175+52457A>C (NM_001423254.1, NM_001423259.1, NM_001423255.1 and 6 more transcripts); c.-103+52457A>C (NM_001423253.1); c.-40+52457A>C (NM_001423258.1); short protein forms S5A.
Identifiers: ClinVar variation 4990659 (VCV004990659.1).